The following is an entry in ClinVar:

NM_000536.4(RAG2):c.743del (p.Asn248fs)

Gene: RAG2 (recombination activating 2; minus strand). Cytogenetic location: 11p12.
Variant type: Deletion.
Coding change: c.743del on transcript NM_000536.4 (MANE Select); coding-DNA position 743, one base deleted (A; older notation c.743delA).
Protein change: p.Asn248fs; shifts the reading frame from asparagine 248.
Molecular consequence: frameshift variant.
Genome position (GRCh38, 1-based): chr11:36,593,426, T deleted on the plus strand (A on the coding strand, the reverse complement: RAG2 is on the minus strand); the first of 2 consecutive T bases (chr11:36,593,426-36,593,427); deleting either gives the same sequence. VCF-style (leftmost placement, unchanged base first): chr11-36593425-AT-A. GRCh37 (hg19) VCF-style: chr11-36614975-AT-A.
Other names: c.743del, p.Asn248fs (NM_001243785.2, NM_001243786.2); short protein forms N248fs.
Identifiers: ClinVar variation 1441601 (VCV001441601.8), dbSNP rs2133313716, ClinGen allele CA2573146309.

ClinVar aggregate classification (germline): Pathogenic (1 of 4 stars; one submission).

Conditions:
Combined immunodeficiency with skin granulomas. Identifiers: Orphanet 157949, MedGen C2673536, MONDO:0009306, OMIM 233650.
Severe combined immunodeficiency, autosomal recessive, T cell-negative, B cell-negative, NK cell-positive. Also called: SCID, T CELL-NEGATIVE, B CELL-NEGATIVE, NK CELL-POSITIVE; SCID, AR, T-cell negative, B-cell negative, NK cell-positive; Severe combined immunodeficiency due to complete RAG1/2 deficiency. Identifiers: Orphanet 331206, MedGen C1832322, MONDO:0011086, OMIM 601457.

Submission:

Labcorp Genetics (formerly Invitae), Labcorp
Classification: Pathogenic for Combined immunodeficiency with skin granulomas; Severe combined immunodeficiency, autosomal recessive, T cell-negative, B cell-negative, NK cell-positive. Last evaluated: 2021-03-13. Review status: criteria provided, single submitter. Criteria: Invitae Variant Classification Sherloc (09022015). Collection method: clinical testing. Allele origin: germline.
Comment: For these reasons, this variant has been classified as Pathogenic. This variant disrupts the C-terminus of the RAG2 protein. Other variant(s) that disrupt this region (p.Glu480*) have been determined to be pathogenic (PMID: 21624848, 29772310). This suggests that variants that disrupt this region of the protein are likely to be causative of disease. This variant has not been reported in the literature in individuals with RAG2-related conditions. This variant is not present in population databases (ExAC no frequency). This sequence change creates a premature translational stop signal (p.Asn248Ilefs*16) in the RAG2 gene. While this is not anticipated to result in nonsense mediated decay, it is expected to disrupt the last 280 amino acid(s) of the RAG2 protein.

Literature cited by the submitters: PubMed 21624848; PubMed 29772310.